The following is an entry in ClinVar:

ClinVar aggregate classification (germline): Benign. Review status: criteria provided, multiple submitters, no conflicts (2 of 4 stars). 5 submissions from 5 submitters: Benign (5). Last evaluated 2026-02-01.

Conditions:
Saldino-Mainzer syndrome (SRTD9). Also called: Renal dysplasia, retinal pigmentary dystrophy, cerebellar ataxia and skeletal dysplasia; SHORT-RIB THORACIC DYSPLASIA 9 WITHOUT POLYDACTYLY; CONORENAL SYNDROME; short-rib thoracic dysplasia 9 with or without polydactyly. Identifiers: Orphanet 140969, MedGen C1849437, MONDO:0009964, OMIM 266920.

Allele frequency attached by ClinVar (database versions not stated): gnomAD exomes 0.00479; ExAC 0.00577; gnomAD 0.01857 and 0.01985; 1000 Genomes Project 0.01957; TOPMed 0.02038; 1000 Genomes Project 30x 0.02124; ESP Exome Variant Server 0.02131.

Submissions (5):

Labcorp Genetics (formerly Invitae), Labcorp
Classification: Benign for Saldino-Mainzer syndrome. Last evaluated: 2026-02-01. Review status: criteria provided, single submitter. Criteria: Invitae Variant Classification Sherloc (09022015). Collection method: clinical testing. Allele origin: germline.

Mayo Clinic Laboratories, Mayo Clinic
Classification: Benign. Last evaluated: 2023-04-10. Review status: criteria provided, single submitter. Criteria: ACMG Guidelines, 2015. Collection method: clinical testing. Allele origin: germline. Observed: 1 variant allele.

GeneDx
Classification: Benign. Last evaluated: 2021-05-05. Review status: criteria provided, single submitter. Criteria: GeneDx Variant Classification Process June 2021. Collection method: clinical testing. Allele origin: germline. Affected: yes.

Illumina Laboratory Services, Illumina
Classification: Benign for Saldino-Mainzer syndrome. Last evaluated: 2018-01-12. Review status: criteria provided, single submitter. Criteria: ICSL Variant Classification Criteria 13 December 2019. Collection method: clinical testing. Allele origin: germline.
Comment: This variant was observed in the ICSL laboratory as part of a predisposition screen in an ostensibly healthy population. It had not been previously curated by ICSL or reported in the Human Gene Mutation Database (HGMD: prior to June 1st, 2018), and was therefore a candidate for classification through an automated scoring system. Utilizing variant allele frequency, disease prevalence and penetrance estimates, and inheritance mode, an automated score was calculated to assess if this variant is too frequent to cause the disease. Based on the score and internal cut-off values, a variant classified as benign is not then subjected to further curation. The score for this variant resulted in a classification of benign for this disease.

Breakthrough Genomics
Classification: Benign. Review status: criteria provided, single submitter. Criteria: ACMG Guidelines, 2015. Collection method: not provided. Allele origin: germline. Inheritance: Autosomal recessive inheritance. Affected: yes.

NM_014714.4(IFT140):c.838C>T (p.Arg280Trp)

Genes: IFT140 (intraflagellar transport 140; minus strand), LOC105371046 (uncharacterized LOC105371046; plus strand). Cytogenetic location: 16p13.3.
Variant type: single nucleotide variant.
Coding change: c.838C>T on transcript NM_014714.4 (MANE Select); coding-DNA position 838, C replaced by T.
Protein change: p.Arg280Trp; replaces arginine 280 with tryptophan.
Molecular consequence: missense variant.
Genome position (GRCh38, 1-based): chr16:1,587,997, G>A on the plus strand (C>T on the coding strand, the complement: IFT140 is on the minus strand). VCF-style: chr16-1587997-G-A. GRCh37 (hg19) VCF-style: chr16-1637998-G-A.
Other names: p.Arg280Trp; short protein forms R280W.
Identifiers: ClinVar variation 318202 (VCV000318202.19), dbSNP rs8058674, ClinGen allele CA7814538.